The following is an entry in ClinVar:

ClinVar aggregate classification (germline): Uncertain significance. Review status: criteria provided, multiple submitters, no conflicts (2 of 4 stars). 3 submissions from 3 submitters: Uncertain significance (3). Last evaluated 2025-04-25.

Conditions:
COL18A1-related disorder. Also called: COL18A1-related condition; COL18A1-related disorders.

Submissions (3):

PreventionGenetics, part of Exact Sciences
Classification: Uncertain significance for COL18A1-related condition. Last evaluated: 2025-04-25. Review status: criteria provided, single submitter. Criteria: ACMG Guidelines, 2015. Collection method: clinical testing. Allele origin: germline.
Comment: The COL18A1 c.2649_2657del9 variant is predicted to result in an in-frame deletion (p.Pro889_Pro891del). To our knowledge, this variant has not been reported in the literature. This variant is reported in 0.023% of alleles in individuals of South Asian descent in gnomAD. At this time, the clinical significance of this variant is uncertain due to the absence of conclusive functional and genetic evidence.

Blueprint Genetics
Classification: Uncertain significance. Last evaluated: 2024-10-14. Review status: criteria provided, single submitter. Criteria: ACMG Guidelines, 2015. Collection method: clinical testing. Allele origin: germline.

Labcorp Genetics (formerly Invitae), Labcorp
Classification: Uncertain significance. Last evaluated: 2022-07-25. Review status: criteria provided, single submitter. Criteria: Invitae Variant Classification Sherloc (09022015). Collection method: clinical testing. Allele origin: germline.
Comment: This variant, c.2109_2117del, results in the deletion of 3 amino acid(s) of the COL18A1 protein (p.Pro709_Pro711del), but otherwise preserves the integrity of the reading frame. This variant is present in population databases (rs769276494, gnomAD 0.02%). This variant has not been reported in the literature in individuals affected with COL18A1-related conditions. ClinVar contains an entry for this variant (Variation ID: 1497591). Experimental studies and prediction algorithms are not available or were not evaluated, and the functional significance of this variant is currently unknown. In summary, the available evidence is currently insufficient to determine the role of this variant in disease. Therefore, it has been classified as a Variant of Uncertain Significance.

NM_001379500.1(COL18A1):c.2109_2117del (p.703PGP[2])

Gene: COL18A1 (collagen type XVIII alpha 1 chain; plus strand). Cytogenetic location: 21q22.3.
Variant type: Deletion.
Coding change: c.2109_2117del on transcript NM_001379500.1 (MANE Select); coding-DNA positions 2109 to 2117, 9 bases deleted (TGGCCCCCC; older notation c.2109_2117delTGGCCCCCC).
Protein change: p.703PGP[2].
Molecular consequence: inframe deletion.
Genome position (GRCh38, 1-based): chr21:45,491,266-45,491,274, TGGCCCCCC deleted; deleting any 9 consecutive bases within chr21:45,491,263-45,491,274 gives the same sequence; the c. name uses the placement nearest the transcript's 3' end. VCF-style (leftmost placement, unchanged base first): chr21-45491262-TCCCTGGCCC-T. GRCh37 (hg19) VCF-style: chr21-46911176-TCCCTGGCCC-T.
Other names: c.2649_2657del9 (NM_030582.3); c.2649_2657del, p.883PGP[2] (NM_030582.4); c.3354_3362del, p.1118PGP[2] (NM_130444.3).
Identifiers: ClinVar variation 1497591 (VCV001497591.7), dbSNP rs769276494, ClinGen allele CA10066803.
Genomic context (GRCh38, chr21:45,491,262, plus strand): 5'-GGACGCGTGGCCTCCTCTTCCAGGGAGATCCAGGGAAGGACGGAGTCGGGCAGCCGGGCC[TCCCTGGCCC>T]CCCCGGACCCCCGGGACCTGTGGTCTACGTGTCGGAGCAGGACGTAAGGACGCTGCGTGG-3'